The following is an entry in ClinVar:

NM_000268.4(NF2):c.241G>A (p.Val81Ile)

Gene: NF2 (NF2, moesin-ezrin-radixin like (MERLIN) tumor suppressor; plus strand). Cytogenetic location: 22q12.2.
Variant type: single nucleotide variant.
Coding change: c.241G>A on transcript NM_000268.4 (MANE Select); coding-DNA position 241, G replaced by A.
Protein change: p.Val81Ile; replaces valine 81 with isoleucine.
Molecular consequence: missense variant. On other transcripts: non-coding transcript variant (1), intron variant (3).
Genome position (GRCh38, 1-based): chr22:29,639,090, G>A. VCF-style: chr22-29639090-G-A. GRCh37 (hg19) VCF-style: chr22-30035079-G-A.
Other names: c.127G>A, p.Val43Ile (NM_001407053.1, NM_001407056.1); c.115G>A, p.Val39Ile (NM_001407055.1, NM_181828.3); c.241G>A, p.Val81Ile (NM_001407057.1, NM_001407059.1, NM_001407060.1 and 5 more transcripts); c.-400G>A (NM_001407065.1); c.10G>A, p.Val4Ile (NM_001407067.1); c.240+2214G>A (NM_181829.3); c.115-3112G>A (NM_181830.3, NM_181831.3); short protein forms V81I, V43I, V39I, V4I.
Identifiers: ClinVar variation 2153692 (VCV002153692.6), dbSNP rs1368647887, ClinGen allele CA411152950.

ClinVar aggregate classification (germline): Uncertain significance. Review status: criteria provided, multiple submitters, no conflicts (2 of 4 stars). 2 submissions from 2 submitters: Uncertain significance (2). Last evaluated 2025-12-09.

Conditions:
Hereditary cancer-predisposing syndrome. Also called: Neoplastic Syndromes, Hereditary; Hereditary Cancer Syndrome; Hereditary neoplastic syndrome; Tumor predisposition. Identifiers: Orphanet 140162, MedGen C0027672, MeSH D009386, MONDO:0015356.
Neurofibromatosis, type 2 (SWNV). Also called: SCHWANNOMATOSIS, VESTIBULAR; BILATERAL ACOUSTIC NEUROFIBROMATOSIS; NF2-Related Schwannomatosis. Identifiers: Orphanet 637, MedGen C0027832, MONDO:0007039, OMIM 101000. Disease mechanism: loss of function.

Allele frequency attached by ClinVar (database versions not stated): gnomAD exomes below 0.00001.
gnomAD v4.1: 2 of 1,614,192 alleles (0.00012%); highest among the groups gnomAD compares: South Asian, 0.0022%; no homozygotes.

Submissions (2):

Labcorp Genetics (formerly Invitae), Labcorp
Classification: Uncertain significance for Neurofibromatosis, type 2. Last evaluated: 2025-12-09. Review status: criteria provided, single submitter. Criteria: Invitae Variant Classification Sherloc (09022015). Collection method: clinical testing. Allele origin: germline.
Comment: This sequence change replaces valine, which is neutral and non-polar, with isoleucine, which is neutral and non-polar, at codon 81 of the NF2 protein (p.Val81Ile). This variant is present in population databases (no rsID available, gnomAD 0.003%). This variant has not been reported in the literature in individuals affected with NF2-related conditions. ClinVar contains an entry for this variant (Variation ID: 2153692). An algorithm developed to predict the effect of missense changes on protein structure and function (PolyPhen-2) suggests that this variant is likely to be disruptive. In summary, the available evidence is currently insufficient to determine the role of this variant in disease. Therefore, it has been classified as a Variant of Uncertain Significance.

Ambry Genetics
Classification: Uncertain significance for Hereditary cancer-predisposing syndrome. Last evaluated: 2023-03-24. Review status: criteria provided, single submitter. Criteria: Ambry Variant Classification Scheme 2023. Collection method: clinical testing. Allele origin: germline.
Comment: The p.V81I variant (also known as c.241G>A) is located in coding exon 3 of the NF2 gene. The valine at codon 81 is replaced by isoleucine, an amino acid with highly similar properties. This change occurs in the first base pair of coding exon 3. This amino acid position is conserved. In addition, the in silico prediction for this alteration is inconclusive. Since supporting evidence is limited at this time, the clinical significance of this alteration remains unclear.